The following is an entry in ClinVar:

ClinVar aggregate classification (germline): Conflicting classifications of pathogenicity. Review status: criteria provided, conflicting classifications (1 of 4 stars). 5 submissions from 5 submitters: Uncertain significance (1); Likely benign (4). Last evaluated 2025-11-17.

Conditions:
MLH3-related disorder. Also called: MLH3-related condition.
Colorectal cancer, hereditary nonpolyposis, type 7. Identifiers: Orphanet 144, MedGen C1858380, MONDO:0013725, OMIM 614385.
Colorectal cancer. Also called: Malignant Colorectal Neoplasm; Colorectal cancer, somatic. Identifiers: MedGen C0346629, MONDO:0005575, OMIM 114500.
Endometrial carcinoma. Also called: Endometrial carcinoma, somatic. Identifiers: MedGen C0476089, MONDO:0002447, OMIM 608089, HP:0012114.

Allele frequency attached by ClinVar (database versions not stated): gnomAD 0.00005 and 0.00009; gnomAD exomes 0.00009 and 0.00026; TOPMed 0.00013; ExAC 0.00033.
gnomAD v4.1: 78 of 1,613,986 alleles (0.0048%); highest among the groups gnomAD compares: Admixed American, 0.1%; 3 homozygotes.

Submissions (5):

Labcorp Genetics (formerly Invitae), Labcorp
Classification: Likely benign for Colorectal cancer, hereditary nonpolyposis, type 7. Last evaluated: 2025-11-17. Review status: criteria provided, single submitter. Criteria: Invitae Variant Classification Sherloc (09022015). Collection method: clinical testing. Allele origin: germline.

PreventionGenetics, part of Exact Sciences
Classification: Likely benign for MLH3-related condition. Last evaluated: 2025-09-15. Review status: criteria provided, single submitter. Criteria: ACMG Guidelines, 2015. Collection method: clinical testing. Allele origin: germline.
Comment: This variant is classified as likely benign based on ACMG/AMP sequence variant interpretation guidelines (Richards et al. 2015 PMID: 25741868, with internal and published modifications).

Ambry Genetics
Classification: Uncertain significance. Last evaluated: 2024-09-02. Review status: criteria provided, single submitter. Criteria: Ambry Variant Classification Scheme 2023. Collection method: clinical testing. Allele origin: germline.
Comment: The p.N291K variant (also known as c.873T>G), located in coding exon 1 of the MLH3 gene, results from a T to G substitution at nucleotide position 873. The asparagine at codon 291 is replaced by lysine, an amino acid with similar properties. This amino acid position is poorly conserved in available vertebrate species. In addition, this alteration is predicted to be tolerated by in silico analysis. The evidence for this gene-disease relationship is limited; therefore, the clinical significance of this alteration is unclear.

Department of Pathology and Laboratory Medicine, Sinai Health System
Classification: Likely benign for Colorectal cancer; Endometrial carcinoma; Colorectal cancer, hereditary nonpolyposis, type 7. Last evaluated: 2022-08-03. Review status: criteria provided, single submitter. Criteria: ACMG Guidelines, 2015. Collection method: clinical testing. Allele origin: germline. Affected: yes.

Fulgent Genetics
Classification: Likely benign for Colorectal cancer; Endometrial carcinoma; Colorectal cancer, hereditary nonpolyposis, type 7. Last evaluated: 2021-08-11. Review status: criteria provided, single submitter. Criteria: ACMG Guidelines, 2015. Collection method: clinical testing. Allele origin: unknown.

NM_001040108.2(MLH3):c.873T>G (p.Asn291Lys)

Gene: MLH3 (mutL homolog 3; minus strand). Cytogenetic location: 14q24.3.
Variant type: single nucleotide variant.
Coding change: c.873T>G on transcript NM_001040108.2 (MANE Select); coding-DNA position 873, T replaced by G.
Protein change: p.Asn291Lys; replaces asparagine 291 with lysine.
Molecular consequence: missense variant.
Genome position (GRCh38, 1-based): chr14:75,048,783, A>C on the plus strand (T>G on the coding strand, the complement: MLH3 is on the minus strand). VCF-style: chr14-75048783-A-C. GRCh37 (hg19) VCF-style: chr14-75515486-A-C.
Other names: c.873T>G, p.Asn291Lys (NM_014381.3); short protein forms N291K.
Identifiers: ClinVar variation 701298 (VCV000701298.17), dbSNP rs767413852, ClinGen allele CA7275955.